The following is an entry in ClinVar:

ClinVar aggregate classification (germline): Uncertain significance (1 of 4 stars; one submission).

Conditions:
MHC class II deficiency. Also called: Bare lymphocyte syndrome 2; BLS, TYPE II. Identifiers: Orphanet 572, MedGen C5447452, MONDO:0008855.

Allele frequency attached by ClinVar (database versions not stated): ExAC 0.00001; gnomAD 0.00001; gnomAD exomes 0.00001; TOPMed 0.00001.
gnomAD v4.1: 13 of 1,613,238 alleles (0.00081%); highest among the groups gnomAD compares: Non-Finnish European, 0.0011%; no homozygotes.

Submission:

Labcorp Genetics (formerly Invitae), Labcorp
Classification: Uncertain significance for MHC class II deficiency. Last evaluated: 2022-03-19. Review status: criteria provided, single submitter. Criteria: Invitae Variant Classification Sherloc (09022015). Collection method: clinical testing. Allele origin: germline.
Comment: This sequence change replaces glycine, which is neutral and non-polar, with valine, which is neutral and non-polar, at codon 189 of the RFX5 protein (p.Gly189Val). This variant is present in population databases (rs763597435, gnomAD 0.007%). This variant has not been reported in the literature in individuals affected with RFX5-related conditions. Algorithms developed to predict the effect of missense changes on protein structure and function are either unavailable or do not agree on the potential impact of this missense change (SIFT: "Tolerated"; PolyPhen-2: "Probably Damaging"; Align-GVGD: "Class C0"). In summary, the available evidence is currently insufficient to determine the role of this variant in disease. Therefore, it has been classified as a Variant of Uncertain Significance.

NM_001025603.2(RFX5):c.566G>T (p.Gly189Val)

Gene: RFX5 (regulatory factor X5; minus strand). Cytogenetic location: 1q21.3.
Variant type: single nucleotide variant.
Coding change: c.566G>T on transcript NM_001025603.2 (MANE Select); coding-DNA position 566, G replaced by T.
Protein change: p.Gly189Val; replaces glycine 189 with valine.
Molecular consequence: missense variant.
Genome position (GRCh38, 1-based): chr1:151,343,872, C>A on the plus strand (G>T on the coding strand, the complement: RFX5 is on the minus strand). VCF-style: chr1-151343872-C-A. GRCh37 (hg19) VCF-style: chr1-151316348-C-A.
Other names: c.566G>T, p.Gly189Val (NM_000449.4, NM_001379412.1, NM_001379413.1 and 5 more transcripts); c.446G>T, p.Gly149Val (NM_001379419.1, NM_001379420.1); short protein forms G189V, G149V.
Identifiers: ClinVar variation 1369149 (VCV001369149.5), dbSNP rs763597435, ClinGen allele CA1089791.